The following is an entry in ClinVar:

ClinVar aggregate classification (germline): Uncertain significance (1 of 4 stars; one submission).

Conditions:
Combined oxidative phosphorylation defect type 7. Identifiers: Orphanet 254930, MedGen C3150801, MONDO:0013306, OMIM 613559.
Spastic paraplegia. Identifiers: MedGen C0037772, HP:0001258.

Allele frequency attached by ClinVar (database versions not stated): gnomAD exomes below 0.00001.
gnomAD v4.1: 1 of 1,614,182 alleles (0.000062%); highest among the groups gnomAD compares: Non-Finnish European, 0.000085%; no homozygotes.

Submission:

Labcorp Genetics (formerly Invitae), Labcorp
Classification: Uncertain significance for Combined oxidative phosphorylation defect type 7; Spastic paraplegia. Last evaluated: 2023-08-04. Review status: criteria provided, single submitter. Criteria: Invitae Variant Classification Sherloc (09022015). Collection method: clinical testing. Allele origin: germline.
Comment: In summary, the available evidence is currently insufficient to determine the role of this variant in disease. Therefore, it has been classified as a Variant of Uncertain Significance. Algorithms developed to predict the effect of missense changes on protein structure and function output the following: SIFT: "Not Available"; PolyPhen-2: "Benign"; Align-GVGD: "Not Available". The isoleucine amino acid residue is found in multiple mammalian species, which suggests that this missense change does not adversely affect protein function. ClinVar contains an entry for this variant (Variation ID: 2037642). This variant has not been reported in the literature in individuals affected with C12orf65-related conditions. This variant is not present in population databases (gnomAD no frequency). This sequence change replaces threonine, which is neutral and polar, with isoleucine, which is neutral and non-polar, at codon 14 of the C12orf65 protein (p.Thr14Ile).

NM_152269.5(MTRFR):c.41C>T (p.Thr14Ile)

Gene: MTRFR (mitochondrial translation release factor in rescue; plus strand). Cytogenetic location: 12q24.31.
Variant type: single nucleotide variant.
Coding change: c.41C>T on transcript NM_152269.5 (MANE Select); coding-DNA position 41, C replaced by T.
Protein change: p.Thr14Ile; replaces threonine 14 with isoleucine.
Molecular consequence: missense variant.
Genome position (GRCh38, 1-based): chr12:123,253,715, C>T. VCF-style: chr12-123253715-C-T. GRCh37 (hg19) VCF-style: chr12-123738262-C-T.
Other names: c.41C>T, p.Thr14Ile (NM_001143905.2, NM_001194995.1); short protein forms T14I.
Identifiers: ClinVar variation 2037642 (VCV002037642.4), dbSNP rs2547597819, ClinGen allele CA387118384.